The following is an entry in ClinVar:

NM_020822.3(KCNT1):c.852G>A (p.Thr284=)

Gene: KCNT1 (potassium sodium-activated channel subfamily T member 1; plus strand). Cytogenetic location: 9q34.3.
Variant type: single nucleotide variant.
Coding change: c.852G>A on transcript NM_020822.3 (MANE Select); coding-DNA position 852, G replaced by A.
Protein change: p.Thr284=; no amino-acid change (threonine 284 retained).
Molecular consequence: synonymous variant.
Genome position (GRCh38, 1-based): chr9:135,758,506, G>A. VCF-style: chr9-135758506-G-A. GRCh37 (hg19) VCF-style: chr9-138650352-G-A.
Other names: c.708G>A, p.Thr236= (NM_001272003.2).
Identifiers: ClinVar variation 650410 (VCV000650410.16), dbSNP rs773023899, ClinGen allele CA5326668.

ClinVar aggregate classification (germline): Likely benign. Review status: criteria provided, multiple submitters, no conflicts (2 of 4 stars). 4 submissions from 4 submitters: Likely benign (3). 1 of the submissions does not count toward it. Last evaluated 2026-03-01.

Conditions:
KCNT1-related disorder. Also called: KCNT1-related condition.
Developmental and epileptic encephalopathy, 14 (DEE14). Also called: Early infantile epileptic encephalopathy 14. Identifiers: Orphanet 293181, MedGen C3554195, MONDO:0013989, OMIM 614959.
Autosomal dominant nocturnal frontal lobe epilepsy 5. Also called: CILIARY DYSKINESIA, PRIMARY, 28, WITHOUT SITUS INVERSUS; CILIARY DYSKINESIA, PRIMARY, 28, WITH SITUS INVERSUS; Epilepsy, nocturnal frontal lobe, 5; KCNT1-Related Epilepsy. Identifiers: Orphanet 98784, MedGen C3554306, MONDO:0014002, OMIM 615005.

Allele frequency attached by ClinVar (database versions not stated): TOPMed below 0.00001; ExAC 0.00002; gnomAD 0.00002; gnomAD exomes 0.00002.
gnomAD v4.1: 25 of 1,612,836 alleles (0.0016%); highest among the groups gnomAD compares: African/African-American, 0.0067%; no homozygotes.

Submissions (4):

CeGaT Center for Human Genetics Tuebingen
Classification: Likely benign. Last evaluated: 2026-03-01. Review status: criteria provided, single submitter. Criteria: CeGaT Center For Human Genetics Tuebingen Variant Classification Criteria Version 2. Collection method: clinical testing. Allele origin: germline. Affected: yes. Observed: 1 variant allele.
Comment: KCNT1: BP4, BP7

Labcorp Genetics (formerly Invitae), Labcorp
Classification: Likely benign for Autosomal dominant nocturnal frontal lobe epilepsy 5; Developmental and epileptic encephalopathy, 14. Last evaluated: 2025-09-16. Review status: criteria provided, single submitter. Criteria: Invitae Variant Classification Sherloc (09022015). Collection method: clinical testing. Allele origin: germline.

Blueprint Genetics
Classification: Likely benign. Last evaluated: 2022-03-28. Review status: criteria provided, single submitter. Criteria: ACMG Guidelines, 2015. Collection method: clinical testing. Allele origin: germline.

PreventionGenetics, part of Exact Sciences
Classification: Likely benign for KCNT1-related condition. Last evaluated: 2023-08-23. Review status: no assertion criteria provided. Collection method: clinical testing. Allele origin: germline. Not counted in ClinVar's aggregate classification.
Comment: This variant is classified as likely benign based on ACMG/AMP sequence variant interpretation guidelines (Richards et al. 2015 PMID: 25741868, with internal and published modifications).